The following is an entry in ClinVar:

ClinVar aggregate classification (germline): Uncertain significance (1 of 4 stars; one submission).

gnomAD v4.1: 16 of 1,611,582 alleles (0.00099%); highest among the groups gnomAD compares: Admixed American, 0.005%; no homozygotes.

Submission:

Labcorp Genetics (formerly Invitae), Labcorp
Classification: Uncertain significance. Last evaluated: 2024-03-05. Review status: criteria provided, single submitter. Criteria: Invitae Variant Classification Sherloc (09022015). Collection method: clinical testing. Allele origin: germline.
Comment: This sequence change replaces arginine, which is basic and polar, with cysteine, which is neutral and slightly polar, at codon 820 of the FBN3 protein (p.Arg820Cys). This variant is present in population databases (rs375116459, gnomAD 0.003%). This variant has not been reported in the literature in individuals affected with FBN3-related conditions. Advanced modeling of protein sequence and biophysical properties (such as structural, functional, and spatial information, amino acid conservation, physicochemical variation, residue mobility, and thermodynamic stability) performed at Invitae indicates that this missense variant is not expected to disrupt FBN3 protein function with a negative predictive value of 80%. In summary, the available evidence is currently insufficient to determine the role of this variant in disease. Therefore, it has been classified as a Variant of Uncertain Significance.

NM_032447.5(FBN3):c.2458C>T (p.Arg820Cys)

Gene: FBN3 (fibrillin 3; minus strand). Cytogenetic location: 19p13.2.
Variant type: single nucleotide variant.
Coding change: c.2458C>T on transcript NM_032447.5 (MANE Select); coding-DNA position 2458, C replaced by T.
Protein change: p.Arg820Cys; replaces arginine 820 with cysteine.
Molecular consequence: missense variant.
Genome position (GRCh38, 1-based): chr19:8,126,564, G>A on the plus strand (C>T on the coding strand, the complement: FBN3 is on the minus strand). VCF-style: chr19-8126564-G-A. GRCh37 (hg19) VCF-style: chr19-8191448-G-A.
Other names: c.2458C>T, p.Arg820Cys (NM_001321431.2); short protein forms R820C.
Identifiers: ClinVar variation 3664704 (VCV003664704.2).